The following is an entry in ClinVar:

NM_198253.3(TERT):c.742C>T (p.Arg248Trp)

Gene: TERT (telomerase reverse transcriptase; minus strand). Cytogenetic location: 5p15.33.
Variant type: single nucleotide variant.
Coding change: c.742C>T on transcript NM_198253.3 (MANE Select); coding-DNA position 742, C replaced by T.
Protein change: p.Arg248Trp; replaces arginine 248 with tryptophan.
Molecular consequence: missense variant. On other transcripts: non-coding transcript variant (2).
Genome position (GRCh38, 1-based): chr5:1,294,144, G>A on the plus strand (C>T on the coding strand, the complement: TERT is on the minus strand). VCF-style: chr5-1294144-G-A. GRCh37 (hg19) VCF-style: chr5-1294259-G-A.
Other names: c.742C>T, p.Arg248Trp (NM_001193376.3, NM_003219.1); short protein forms R248W.
Identifiers: ClinVar variation 2027422 (VCV002027422.5), dbSNP rs2478420876, ClinGen allele CA359056914.
Genomic context (GRCh38, chr5:1,294,144, plus strand): 5'-GGTCACTCGGTCCACGCGTCCTGCCCGGGTGGGCCCAGGACCCCTGCCCAACGGGCGTCC[G>A]CTCCGGCTCAGGGGCAGCGCCACGCCTGGGCCTCTTGGGCAACGGCAGACTTCGGCTGGC-3'
Protein context (NP_937983.2, residues 238-258): PRRGAAPEPE[Arg248Trp]TPVGQGSWAH

ClinVar aggregate classification (germline): Uncertain significance. Review status: criteria provided, multiple submitters, no conflicts (2 of 4 stars). 2 submissions from 2 submitters: Uncertain significance (2). Last evaluated 2024-12-06.

Conditions:
Idiopathic Pulmonary Fibrosis. Also called: Idiopathic fibrosing alveolitis, chronic form; idiopathic fibrosing alveolitis. Identifiers: Orphanet 2032, MedGen C1800706, MeSH D054990, MONDO:0800504.
Dyskeratosis congenita, autosomal dominant 2. Identifiers: MedGen C3151443, MONDO:0013521, OMIM 613989.
Dyskeratosis congenita. Identifiers: Orphanet 1775, MedGen C0265965, MONDO:0015780.

Allele frequency attached by ClinVar (database versions not stated): gnomAD exomes below 0.00001.
gnomAD v4.1: 1 of 1,581,010 alleles (0.000063%); highest among the groups gnomAD compares: Non-Finnish European, 0.000086%; no homozygotes.

Submissions (2):

Ambry Genetics
Classification: Uncertain significance for Dyskeratosis congenita. Last evaluated: 2024-12-06. Review status: criteria provided, single submitter. Criteria: Ambry Variant Classification Scheme 2023. Collection method: clinical testing. Allele origin: germline.
Comment: The p.R248W variant (also known as c.742C>T), located in coding exon 2 of the TERT gene, results from a C to T substitution at nucleotide position 742. The arginine at codon 248 is replaced by tryptophan, an amino acid with dissimilar properties. This amino acid position is poorly conserved in available vertebrate species. In addition, the in silico prediction for this alteration is inconclusive. Based on the available evidence, the clinical significance of this variant remains unclear.

Labcorp Genetics (formerly Invitae), Labcorp
Classification: Uncertain significance for Dyskeratosis congenita, autosomal dominant 2; Idiopathic Pulmonary Fibrosis. Last evaluated: 2024-07-08. Review status: criteria provided, single submitter. Criteria: Invitae Variant Classification Sherloc (09022015). Collection method: clinical testing. Allele origin: germline.
Comment: This sequence change replaces arginine, which is basic and polar, with tryptophan, which is neutral and slightly polar, at codon 248 of the TERT protein (p.Arg248Trp). This variant is not present in population databases (gnomAD no frequency). This variant has not been reported in the literature in individuals affected with TERT-related conditions. ClinVar contains an entry for this variant (Variation ID: 2027422). Advanced modeling of protein sequence and biophysical properties (such as structural, functional, and spatial information, amino acid conservation, physicochemical variation, residue mobility, and thermodynamic stability) has been performed at Invitae for this missense variant, however the output from this modeling did not meet the statistical confidence thresholds required to predict the impact of this variant on TERT protein function. In summary, the available evidence is currently insufficient to determine the role of this variant in disease. Therefore, it has been classified as a Variant of Uncertain Significance.